The following is an entry in ClinVar:

ClinVar aggregate classification (germline): Likely benign (0 of 4 stars; one submission).

Conditions:
OTUD7A-related disorder. Also called: OTUD7A-related condition.

Allele frequency attached by ClinVar (database versions not stated): ExAC 0.00001; gnomAD 0.00004; TOPMed 0.00006; gnomAD exomes 0.00007; ESP Exome Variant Server 0.00015.
gnomAD v4.1: 105 of 1,610,382 alleles (0.0065%); highest among the groups gnomAD compares: Non-Finnish European, 0.0085%; no homozygotes.

Submission:

PreventionGenetics, part of Exact Sciences
Classification: Likely benign for OTUD7A-related condition. Last evaluated: 2019-03-04. Review status: no assertion criteria provided. Collection method: clinical testing. Allele origin: germline.
Comment: This variant is classified as likely benign based on ACMG/AMP sequence variant interpretation guidelines (Richards et al. 2015 PMID: 25741868, with internal and published modifications).

NM_001382637.1(OTUD7A):c.1578C>T (p.Ser526=)

Gene: OTUD7A (OTU deubiquitinase 7A; minus strand). Cytogenetic location: 15q13.3.
Variant type: single nucleotide variant.
Coding change: c.1578C>T on transcript NM_001382637.1 (MANE Select); coding-DNA position 1578, C replaced by T.
Protein change: p.Ser526=; no amino-acid change (serine 526 retained).
Molecular consequence: synonymous variant.
Genome position (GRCh38, 1-based): chr15:31,484,518, G>A on the plus strand (C>T on the coding strand, the complement: OTUD7A is on the minus strand). VCF-style: chr15-31484518-G-A. GRCh37 (hg19) VCF-style: chr15-31776721-G-A.
Other names: c.1557C>T, p.Ser519= (NM_130901.3).
Identifiers: ClinVar variation 3047891 (VCV003047891.2), dbSNP rs376362683, ClinGen allele CA7453537.